The following is an entry in ClinVar:

NM_001165963.4(SCN1A):c.2734T>C (p.Phe912Leu)

Gene: SCN1A (sodium voltage-gated channel alpha subunit 1; minus strand). Cytogenetic location: 2q24.3.
Variant type: single nucleotide variant.
Coding change: c.2734T>C on transcript NM_001165963.4 (MANE Select); coding-DNA position 2734, T replaced by C.
Protein change: p.Phe912Leu; replaces phenylalanine 912 with leucine.
Molecular consequence: missense variant. On other transcripts: non-coding transcript variant (1).
Genome position (GRCh38, 1-based): chr2:166,037,988, A>G on the plus strand (T>C on the coding strand, the complement: SCN1A is on the minus strand). VCF-style: chr2-166037988-A-G. GRCh37 (hg19) VCF-style: chr2-166894498-A-G.
Other names: c.2701T>C, p.Phe901Leu (NM_001353951.2, NM_001353952.2, NM_006920.6 and 2 more transcripts); c.2698T>C, p.Phe900Leu (NM_001353954.2, NM_001353955.2); c.2650T>C, p.Phe884Leu (NM_001353957.2, NM_001353958.2, NM_001165964.3); c.2647T>C, p.Phe883Leu (NM_001353960.2); c.292T>C, p.Phe98Leu (NM_001353961.2); c.2734T>C, p.Phe912Leu (NM_001202435.3, NM_001353948.2); short protein forms F884L, F98L, F900L, F912L, F883L, F901L.
Identifiers: ClinVar variation 3634040 (VCV003634040.2).
Genomic context (GRCh38, chr2:166,037,988, plus strand): 5'-AGCGTGGGAGTTGACAATCACTGGCGATCTTGCAGACACAATCTTTGTAGCTTTTACCAA[A>G]GAGCTGCATGCCGACCACGGCAAAAATGAAGACGATGATGGCCAAGACGAGGGTTAAATT-3'
Protein context (NP_001159435.1, residues 902-922): FIFAVVGMQL[Phe912Leu]GKSYKDCVCK

ClinVar aggregate classification (germline): Uncertain significance (1 of 4 stars; one submission).

Conditions:
Early-infantile DEE. Also called: Early infantile epileptic encephalopathy; Ohtahara syndrome; Early infantile epileptic encephalopathy with suppression bursts. Identifiers: Orphanet 1934, MedGen C0393706, MONDO:0800491.

Submission:

Labcorp Genetics (formerly Invitae), Labcorp
Classification: Uncertain significance for Early-infantile DEE. Last evaluated: 2024-10-09. Review status: criteria provided, single submitter. Criteria: Invitae Variant Classification Sherloc (09022015). Collection method: clinical testing. Allele origin: germline.
Comment: This sequence change replaces phenylalanine, which is neutral and non-polar, with leucine, which is neutral and non-polar, at codon 912 of the SCN1A protein (p.Phe912Leu). This variant is not present in population databases (gnomAD no frequency). This variant has not been reported in the literature in individuals affected with SCN1A-related conditions. Invitae Evidence Modeling of protein sequence and biophysical properties (such as structural, functional, and spatial information, amino acid conservation, physicochemical variation, residue mobility, and thermodynamic stability) indicates that this missense variant is expected to disrupt SCN1A protein function with a positive predictive value of 95%. In summary, the available evidence is currently insufficient to determine the role of this variant in disease. Therefore, it has been classified as a Variant of Uncertain Significance.